The following is an entry in ClinVar:

ClinVar aggregate classification (germline): Benign. Review status: criteria provided, multiple submitters, no conflicts (2 of 4 stars). 4 submissions from 4 submitters: Benign (2). 2 of the submissions do not count toward it. Last evaluated 2026-01-25.

Conditions:
Short-rib thoracic dysplasia 13 with or without polydactyly (SRTD13). Identifiers: Orphanet 474, MedGen C4225378, MONDO:0014577, OMIM 616300.

Submissions (4):

Labcorp Genetics (formerly Invitae), Labcorp
Classification: Benign for Short-rib thoracic dysplasia 13 with or without polydactyly. Last evaluated: 2026-01-25. Review status: criteria provided, single submitter. Criteria: Invitae Variant Classification Sherloc (09022015). Collection method: clinical testing. Allele origin: germline.

Mayo Clinic Laboratories, Mayo Clinic
Classification: Benign. Last evaluated: 2024-07-24. Review status: criteria provided, single submitter. Criteria: ACMG Guidelines, 2015. Collection method: clinical testing. Allele origin: germline. Observed: 4 variant alleles.
Comment: BS1, BS2, BP4, BP7

Clinical Genetics DNA and cytogenetics Diagnostics Lab, Erasmus MC, Erasmus Medical Center
Classification: Likely benign. Review status: no assertion criteria provided. Collection method: clinical testing. Allele origin: germline. Affected: yes. Study: VKGL Data-share Consensus. Not counted in ClinVar's aggregate classification.

Genome Diagnostics Laboratory, University Medical Center Utrecht
Classification: Likely benign. Review status: no assertion criteria provided. Collection method: clinical testing. Allele origin: germline. Affected: yes. Study: VKGL Data-share Consensus. Not counted in ClinVar's aggregate classification.

NM_001375405.1(CEP120):c.1431-31dup

Gene: CEP120 (centrosomal protein 120; minus strand). Cytogenetic location: 5q23.2.
Variant type: Duplication.
Coding change: c.1431-31dup on transcript NM_001375405.1 (MANE Select); 31 bases into the intron before coding-DNA position 1431, one base duplicated (T; older notation c.1431-31dupT).
Molecular consequence: intron variant.
Genome position (GRCh38, 1-based): chr5:123,386,677, A duplicated on the plus strand (T on the coding strand, the reverse complement: CEP120 is on the minus strand); the first of 22 consecutive A bases (chr5:123,386,677-123,386,698); duplicating any one gives the same sequence. VCF-style (leftmost placement, unchanged base first): chr5-123386676-T-TA. GRCh37 (hg19) VCF-style: chr5-122722370-T-TA.
Other names: p.?; c.1353-31dup (NM_001166226.2); c.1431-31dup (NM_153223.4, NM_001375407.1); c.858-31dup (NM_001375408.1, NM_001375409.1); c.1296-31dup (NM_001375406.1); c.1431-10dup (NM_153223.3).
Identifiers: ClinVar variation 1285060 (VCV001285060.5), dbSNP rs75744800, ClinGen allele CA3386971.